The following is an entry in ClinVar:

NM_000660.7(TGFB1):c.902_905dup (p.Phe302fs)

Gene: TGFB1 (transforming growth factor beta 1; minus strand). Cytogenetic location: 19q13.2.
Variant type: Duplication.
Coding change: c.902_905dup on transcript NM_000660.7 (MANE Select); coding-DNA positions 902 to 905, 4 bases duplicated (ACTT; older notation c.902_905dupACTT).
Protein change: p.Phe302fs; shifts the reading frame from phenylalanine 302.
Molecular consequence: frameshift variant.
Genome position (GRCh38, 1-based): chr19:41,332,237-41,332,240, AAGT duplicated on the plus strand (ACTT on the coding strand, the reverse complement: TGFB1 is on the minus strand). VCF-style (leftmost placement, unchanged base first): chr19-41332236-G-GAAGT. GRCh37 (hg19) VCF-style: chr19-41838141-G-GAAGT.
Other names: short protein forms F302fs.
Identifiers: ClinVar variation 4736020 (VCV004736020.1).

ClinVar aggregate classification (germline): Uncertain significance (1 of 4 stars; one submission).

Submission:

Labcorp Genetics (formerly Invitae), Labcorp
Classification: Uncertain significance. Last evaluated: 2026-01-23. Review status: criteria provided, single submitter. Criteria: Invitae Variant Classification Sherloc (09022015). Collection method: clinical testing. Allele origin: germline.
Comment: This sequence change creates a premature translational stop signal (p.Phe302Leufs*47) in the TGFB1 gene. While this is not anticipated to result in nonsense mediated decay, it is expected to disrupt the last 89 amino acid(s) of the TGFB1 protein. This variant is not present in population databases (gnomAD no frequency). This variant has not been reported in the literature in individuals affected with TGFB1-related conditions. Experimental studies and prediction algorithms are not available or were not evaluated, and the functional significance of this variant is currently unknown. In summary, the available evidence is currently insufficient to determine the role of this variant in disease. Therefore, it has been classified as a Variant of Uncertain Significance.